The following is an entry in ClinVar:

ClinVar aggregate classification (germline): Uncertain significance (1 of 4 stars; one submission).

Conditions:
Joubert syndrome. Also called: CEREBELLOPARENCHYMAL DISORDER IV; JOUBERT-BOLTSHAUSER SYNDROME; Familial aplasia of the vermis. Identifiers: Orphanet 475, MedGen C5979921, MONDO:0018772.
Meckel-Gruber syndrome. Also called: DYSENCEPHALIA SPLANCHNOCYSTICA; GRUBER SYNDROME; Dysencephalia splachnocystica. Identifiers: Orphanet 564, MedGen C0265215, MONDO:0018921.

Allele frequency attached by ClinVar (database versions not stated): gnomAD 0.00001; TOPMed 0.00001.
gnomAD v4.1: 4 of 1,613,902 alleles (0.00025%); highest among the groups gnomAD compares: Non-Finnish European, 0.00034%; no homozygotes.

Submission:

Labcorp Genetics (formerly Invitae), Labcorp
Classification: Uncertain significance for Joubert syndrome; Meckel-Gruber syndrome. Last evaluated: 2021-08-24. Review status: criteria provided, single submitter. Criteria: Invitae Variant Classification Sherloc (09022015). Collection method: clinical testing. Allele origin: germline.
Comment: This sequence change replaces lysine with glutamic acid at codon 1194 of the RPGRIP1L protein (p.Lys1194Glu). The lysine residue is weakly conserved and there is a small physicochemical difference between lysine and glutamic acid. This variant is not present in population databases (ExAC no frequency). This variant has not been reported in the literature in individuals affected with RPGRIP1L-related conditions. Algorithms developed to predict the effect of missense changes on protein structure and function (SIFT, PolyPhen-2, Align-GVGD) all suggest that this variant is likely to be tolerated. In summary, the available evidence is currently insufficient to determine the role of this variant in disease. Therefore, it has been classified as a Variant of Uncertain Significance.

NM_015272.5(RPGRIP1L):c.3580A>G (p.Lys1194Glu)

Gene: RPGRIP1L (RPGRIP1 like; minus strand). Cytogenetic location: 16q12.2.
Variant type: single nucleotide variant.
Coding change: c.3580A>G on transcript NM_015272.5 (MANE Select); coding-DNA position 3580, A replaced by G.
Protein change: p.Lys1194Glu; replaces lysine 1194 with glutamic acid.
Molecular consequence: missense variant.
Genome position (GRCh38, 1-based): chr16:53,619,061, T>C on the plus strand (A>G on the coding strand, the complement: RPGRIP1L is on the minus strand). VCF-style: chr16-53619061-T-C. GRCh37 (hg19) VCF-style: chr16-53652973-T-C.
Other names: c.3340A>G, p.Lys1114Glu (NM_001127897.4); c.3442A>G, p.Lys1148Glu (NM_001308334.3); c.3478A>G, p.Lys1160Glu (NM_001330538.2); short protein forms K1160E, K1194E, K1148E, K1114E.
Identifiers: ClinVar variation 2040192 (VCV002040192.1), dbSNP rs1482265266, ClinGen allele CA395923412.